The following is an entry in ClinVar:

NM_001267550.2(TTN):c.3577G>A (p.Val1193Met)

Gene: TTN (titin; minus strand). Cytogenetic location: 2q31.2.
Variant type: single nucleotide variant.
Coding change: c.3577G>A on transcript NM_001267550.2 (MANE Select); coding-DNA position 3577, G replaced by A.
Protein change: p.Val1193Met; replaces valine 1193 with methionine.
Molecular consequence: missense variant.
Genome position (GRCh38, 1-based): chr2:178,780,152, C>T on the plus strand (G>A on the coding strand, the complement: TTN is on the minus strand). VCF-style: chr2-178780152-C-T. GRCh37 (hg19) VCF-style: chr2-179644879-C-T.
Other names: c.3577G>A, p.Val1193Met (NM_001256850.1, NM_133378.4, NM_133379.5); c.3439G>A, p.Val1147Met (NM_003319.4, NM_133432.3, NM_133437.4); short protein forms V1193M, V1147M.
Identifiers: ClinVar variation 166326 (VCV000166326.7), dbSNP rs727503699, ClinGen allele CA179355.
Genomic context (GRCh38, chr2:178,780,152, plus strand): 5'-CAGAGTATACAAATCCAGGTGCTGTTTCTCCAACTTTAGGTTCTTGAACAAATGCAGTCA[C>T]TTGTGTCTGATAAAGCATTTCTTGCTGGGACTTCATCAGTAACTCATAATCAGCTAAGAG-3'
Protein context (NP_001254479.2, residues 1183-1203): SQQEMLYQTQ[Val1193Met]TAFVQEPKVG

ClinVar aggregate classification (germline): Likely benign. Review status: criteria provided, multiple submitters, no conflicts (2 of 4 stars). 3 submissions from 3 submitters: Likely benign (3). Last evaluated 2019-08-26.

Conditions:
Cardiovascular phenotype. Identifiers: MedGen CN230736.

Allele frequency attached by ClinVar (database versions not stated): gnomAD exomes below 0.00001 and 0.00001; ExAC 0.00001; gnomAD 0.00001 and 0.00002; TOPMed 0.00002.
gnomAD v4.1: 7 of 1,613,750 alleles (0.00043%); highest among the groups gnomAD compares: African/African-American, 0.0093%; no homozygotes.

Submissions (3):

Ambry Genetics
Classification: Likely benign for Cardiovascular phenotype. Last evaluated: 2019-08-26. Review status: criteria provided, single submitter. Criteria: Ambry Variant Classification Scheme 2023. Collection method: clinical testing. Allele origin: germline.

GeneDx
Classification: Likely benign. Last evaluated: 2018-06-20. Review status: criteria provided, single submitter. Criteria: GeneDx Variant Classification (06012015). Collection method: clinical testing. Allele origin: germline. Affected: yes.
Comment: This variant is considered likely benign or benign based on one or more of the following criteria: it is a conservative change, it occurs at a poorly conserved position in the protein, it is predicted to be benign by multiple in silico algorithms, and/or has population frequency not consistent with disease.

Laboratory for Molecular Medicine, Mass General Brigham Personalized Medicine
Classification: Likely benign. Last evaluated: 2013-03-26. Review status: criteria provided, single submitter. Criteria: LMM Criteria. Collection method: clinical testing. Allele origin: germline. Observed: 1 variant allele.
Comment: Val1193Met in exon 22 of TTN: This variant is not expected to have clinical sign ificance due to a lack of conservation across species. Of note, multiple mammals have a methionine (Met) at this position despite high nearby amino acid conserv ation. In addition, computational analyses (AlignGVGD, PolyPhen2, SIFT) do not s uggest a high likelihood of impact to the protein.